The following is an entry in ClinVar:

NM_002180.3(IGHMBP2):c.1348C>T (p.Arg450Cys)

Gene: IGHMBP2 (immunoglobulin mu DNA binding protein 2; plus strand). Cytogenetic location: 11q13.3.
Variant type: single nucleotide variant.
Coding change: c.1348C>T on transcript NM_002180.3 (MANE Select); coding-DNA position 1348, C replaced by T.
Protein change: p.Arg450Cys; replaces arginine 450 with cysteine.
Molecular consequence: missense variant.
Genome position (GRCh38, 1-based): chr11:68,933,411, C>T. VCF-style: chr11-68933411-C-T. GRCh37 (hg19) VCF-style: chr11-68700879-C-T.
Other names: p.Arg450Cys; short protein forms R450C.
Identifiers: ClinVar variation 580636 (VCV000580636.8), dbSNP rs374363750, ClinGen allele CA6153613.

ClinVar aggregate classification (germline): Uncertain significance. Review status: criteria provided, multiple submitters, no conflicts (2 of 4 stars). 3 submissions from 3 submitters: Uncertain significance (3). Last evaluated 2025-08-25.

Conditions:
Charcot-Marie-Tooth disease axonal type 2S. Also called: CHARCOT-MARIE-TOOTH DISEASE, AXONAL, AUTOSOMAL RECESSIVE, TYPE 2S; CHARCOT-MARIE-TOOTH NEUROPATHY, TYPE 2S. Identifiers: Orphanet 443073, MedGen C4015349, MONDO:0014511, OMIM 616155.
Autosomal recessive distal spinal muscular atrophy 1. Also called: HMN VI; NEURONOPATHY, SEVERE INFANTILE AXONAL, WITH RESPIRATORY FAILURE; SEVERE INFANTILE AXONAL NEUROPATHY WITH RESPIRATORY FAILURE; NEURONOPATHY, DISTAL HEREDITARY MOTOR, HARDING TYPE VI; NEUROPATHY, DISTAL HEREDITARY MOTOR, AUTOSOMAL RECESSIVE 1; SPINAL MUSCULAR ATROPHY, DIAPHRAGMATIC. Identifiers: Orphanet 98920, MedGen C1858517, MONDO:0011436, OMIM 604320.

Allele frequency attached by ClinVar (database versions not stated): gnomAD exomes 0.00001; ExAC 0.00002; ESP Exome Variant Server 0.00008.
gnomAD v4.1: 16 of 1,613,114 alleles (0.00099%); highest among the groups gnomAD compares: South Asian, 0.0044%; no homozygotes.

Submissions (3):

Mayo Clinic Laboratories, Mayo Clinic
Classification: Uncertain significance. Last evaluated: 2025-08-25. Review status: criteria provided, single submitter. Criteria: ACMG Guidelines, 2015. Collection method: clinical testing. Allele origin: germline. Observed: 1 variant allele.
Comment: BP4_moderate, PM2_supporting

Athena Diagnostics
Classification: Uncertain significance. Last evaluated: 2021-10-01. Review status: criteria provided, single submitter. Criteria: Athena Diagnostics Criteria. Collection method: clinical testing. Allele origin: unknown.

Labcorp Genetics (formerly Invitae), Labcorp
Classification: Uncertain significance for Autosomal recessive distal spinal muscular atrophy 1; Charcot-Marie-Tooth disease axonal type 2S. Last evaluated: 2021-08-27. Review status: criteria provided, single submitter. Criteria: Invitae Variant Classification Sherloc (09022015). Collection method: clinical testing. Allele origin: germline.
Comment: This sequence change replaces arginine with cysteine at codon 450 of the IGHMBP2 protein (p.Arg450Cys). The arginine residue is weakly conserved and there is a large physicochemical difference between arginine and cysteine. This variant is present in population databases (rs374363750, ExAC 0.01%). This variant has not been reported in the literature in individuals affected with IGHMBP2-related conditions. Algorithms developed to predict the effect of missense changes on protein structure and function output the following: SIFT: "Tolerated"; PolyPhen-2: "Benign"; Align-GVGD: "Class C0". The cysteine amino acid residue is found in multiple mammalian species, which suggests that this missense change does not adversely affect protein function. In summary, the available evidence is currently insufficient to determine the role of this variant in disease. Therefore, it has been classified as a Variant of Uncertain Significance.